The following is an entry in ClinVar:

ClinVar aggregate classification (germline): Uncertain significance (1 of 4 stars; one submission).

Allele frequency attached by ClinVar (database versions not stated): gnomAD exomes below 0.00001; gnomAD 0.00001.
gnomAD v4.1: 7 of 1,543,208 alleles (0.00045%); highest among the groups gnomAD compares: East Asian, 0.012%; no homozygotes.

Submission:

Labcorp Genetics (formerly Invitae), Labcorp
Classification: Uncertain significance. Last evaluated: 2022-05-25. Review status: criteria provided, single submitter. Criteria: Invitae Variant Classification Sherloc (09022015). Collection method: clinical testing. Allele origin: germline.
Comment: In summary, the available evidence is currently insufficient to determine the role of this variant in disease. Therefore, it has been classified as a Variant of Uncertain Significance. Algorithms developed to predict the effect of missense changes on protein structure and function output the following: SIFT: "Tolerated"; PolyPhen-2: "Benign"; Align-GVGD: "Class C0". The cysteine amino acid residue is found in multiple mammalian species, which suggests that this missense change does not adversely affect protein function. This variant has not been reported in the literature in individuals affected with FREM1-related conditions. This variant is not present in population databases (gnomAD no frequency). This sequence change replaces tyrosine, which is neutral and polar, with cysteine, which is neutral and slightly polar, at codon 1939 of the FREM1 protein (p.Tyr1939Cys).

NM_001379081.2(FREM1):c.5816A>G (p.Tyr1939Cys)

Gene: FREM1 (FRAS1 related extracellular matrix 1; minus strand). Cytogenetic location: 9p22.3.
Variant type: single nucleotide variant.
Coding change: c.5816A>G on transcript NM_001379081.2 (MANE Select); coding-DNA position 5816, A replaced by G.
Protein change: p.Tyr1939Cys; replaces tyrosine 1939 with cysteine.
Molecular consequence: missense variant. On other transcripts: non-coding transcript variant (3).
Genome position (GRCh38, 1-based): chr9:14,747,709, T>C on the plus strand (A>G on the coding strand, the complement: FREM1 is on the minus strand). VCF-style: chr9-14747709-T-C. GRCh37 (hg19) VCF-style: chr9-14747707-T-C.
Other names: c.1424A>G, p.Tyr475Cys (NM_001177704.3, NM_001370061.2); c.1274A>G, p.Tyr425Cys (NM_001370058.2); c.5816A>G, p.Tyr1939Cys (NM_144966.7); short protein forms Y1939C, Y425C, Y475C.
Identifiers: ClinVar variation 1998891 (VCV001998891.4), dbSNP rs548335559, ClinGen allele CA372955251.
Genomic context (GRCh38, chr9:14,747,709, plus strand): 5'-AAGAAATTTAGCAATTCTGTGACTACACTTACATTATAGATGATGTCTGTTCCATTTCTA[T>C]AAACAGAGGATGGACGAACCTGAAATTGACAGAGAACAAAATATGAACAGAATTGGATTG-3'
Protein context (NP_001366010.1, residues 1929-1949): NGKTVRPSSV[Tyr1939Cys]RNGTDIIYNY